The following is an entry in ClinVar:

NM_001287491.2(TET3):c.2089A>G (p.Thr697Ala)

Gene: TET3 (tet methylcytosine dioxygenase 3; plus strand). Cytogenetic location: 2p13.1.
Variant type: single nucleotide variant.
Coding change: c.2089A>G on transcript NM_001287491.2 (MANE Select); coding-DNA position 2089, A replaced by G.
Protein change: p.Thr697Ala; replaces threonine 697 with alanine.
Molecular consequence: missense variant.
Genome position (GRCh38, 1-based): chr2:74,048,006, A>G. VCF-style: chr2-74048006-A-G. GRCh37 (hg19) VCF-style: chr2-74275133-A-G.
Other names: c.1810A>G, p.Thr604Ala (NM_001366022.1); short protein forms T604A, T697A.
Identifiers: ClinVar variation 3766020 (VCV003766020.2).

ClinVar aggregate classification (germline): Uncertain significance (1 of 4 stars; one submission).

gnomAD v4.1: 105 of 1,609,028 alleles (0.0065%); highest among the groups gnomAD compares: African/African-American, 0.077%; no homozygotes.

Submission:

GeneDx
Classification: Uncertain significance. Last evaluated: 2025-06-04. Review status: criteria provided, single submitter. Criteria: GeneDx Variant Classification Process June 2021. Collection method: clinical testing. Allele origin: germline.
Comment: In silico analysis indicates that this missense variant does not alter protein structure/function; Has not been previously published as pathogenic or benign to our knowledge